The following is an entry in ClinVar:

NM_001267550.2(TTN):c.2926T>C (p.Trp976Arg)

Gene: TTN (titin; minus strand). Cytogenetic location: 2q31.2.
Variant type: single nucleotide variant.
Coding change: c.2926T>C on transcript NM_001267550.2 (MANE Select); coding-DNA position 2926, T replaced by C.
Protein change: p.Trp976Arg; replaces tryptophan 976 with arginine.
Molecular consequence: missense variant.
Genome position (GRCh38, 1-based): chr2:178,782,980, A>G on the plus strand (T>C on the coding strand, the complement: TTN is on the minus strand). VCF-style: chr2-178782980-A-G. GRCh37 (hg19) VCF-style: chr2-179647707-A-G.
Other names: c.2926T>C, p.Trp976Arg (NM_001256850.1, NM_133379.5, NM_133378.4); c.2788T>C, p.Trp930Arg (NM_003319.4, NM_133432.3, NM_133437.4); short protein forms W930R, W976R.
Identifiers: ClinVar variation 12651 (VCV000012651.6), dbSNP rs267607155, ClinGen allele CA256496.
Genomic context (GRCh38, chr2:178,782,980, plus strand): 5'-CACTCTGGAAGGTTATCTGGAAGTCAATGGAACTTTCGATTTGGTAGTCTTCCCTGTACC[A>G]TGTCACTGTCGGGGATGGGTATCCAGAGATGTGGCACTCCAAGGTGACAGATTCACCTTC-3'
Protein context (NP_001254479.2, residues 966-986): ISGYPSPTVT[Trp976Arg]YREDYQIESS

ClinVar aggregate classification (germline): Likely pathogenic. Review status: criteria provided, single submitter (1 of 4 stars). 2 submissions from 2 submitters: Likely pathogenic (1). 1 of the submissions does not count toward it. Last evaluated 2018-06-19.

Conditions:
Dilated cardiomyopathy 1G (CMD1G). Identifiers: Orphanet 154, MedGen C1858763, MONDO:0011400, OMIM 604145.
Primary dilated cardiomyopathy (DCM). Also called: Dilated Cardiomyopathy. Identifiers: Orphanet 217604, MedGen C0007193, MeSH D002311, MONDO:0005021, HP:0001644. Inheritance: Various modes of inheritance.

Submissions (2):

Laboratory for Molecular Medicine, Mass General Brigham Personalized Medicine
Classification: Likely pathogenic for Primary dilated cardiomyopathy. Last evaluated: 2018-06-19. Review status: criteria provided, single submitter. Criteria: LMM Criteria. Collection method: clinical testing. Allele origin: germline. Inheritance: Autosomal dominant inheritance. Observed: 4 variant alleles.
Comment: The p.Trp976Arg variant in TTN has been reported in 1 family with DCM and segreg ated with disease in at least 8 affected relatives, including 2 obligate carrier s and at least one individual with early-onset cardiomyopathy who carried a trun cating variant (p.Arg19560X) in trans (Gerull 2002, reported as p.Trp930Arg; Her man 2012). This variant was absent from large population studies. In vitro funct ional studies suggest this variant may impact protein function (Hinson 2015). Co mputational prediction tools and conservation analysis suggest that the p.Trp976 Arg variant may impact the protein, though this information is not predictive en ough to determine pathogenicity. In summary, although additional studies are req uired to fully establish its clinical significance, the p.Trp976Arg variant is l ikely pathogenic. ACMG/AMP criteria applied: PP1_Strong, PM2, PP3, PS3_Supportin g.

OMIM
Classification: Pathogenic for CARDIOMYOPATHY, DILATED, 1G. Last evaluated: 2002-02-01. Review status: no assertion criteria provided. Collection method: literature only. Allele origin: germline. Not counted in ClinVar's aggregate classification.

Literature cited by the submitters: PubMed 11788824 (cited by Laboratory for Molecular Medicine, Mass General Brigham Personalized Medicine and OMIM); PubMed 26315439 (cited by Laboratory for Molecular Medicine, Mass General Brigham Personalized Medicine and OMIM); PubMed 10051295 (cited by Laboratory for Molecular Medicine, Mass General Brigham Personalized Medicine and OMIM); PubMed 22335739 (cited by Laboratory for Molecular Medicine, Mass General Brigham Personalized Medicine); PubMed 28941705 (cited by Laboratory for Molecular Medicine, Mass General Brigham Personalized Medicine).